The following is an entry in ClinVar:

NM_004360.5(CDH1):c.2091G>A (p.Lys697=)

Gene: CDH1 (cadherin 1; plus strand). Cytogenetic location: 16q22.1.
Variant type: single nucleotide variant.
Coding change: c.2091G>A on transcript NM_004360.5 (MANE Select); coding-DNA position 2091, G replaced by A.
Protein change: p.Lys697=; no amino-acid change (lysine 697 retained).
Molecular consequence: synonymous variant.
Genome position (GRCh38, 1-based): chr16:68,823,553, G>A. VCF-style: chr16-68823553-G-A. GRCh37 (hg19) VCF-style: chr16-68857456-G-A.
Other names: p.K697K:AAG>AAA; c.2091G>A (LRG_301t1); c.1908G>A, p.Lys636= (NM_001317184.2); c.543G>A, p.Lys181= (NM_001317185.2); c.126G>A, p.Lys42= (NM_001317186.2).
Identifiers: ClinVar variation 182381 (VCV000182381.62), dbSNP rs61747635, ClinGen allele CA298949.

ClinVar aggregate classification (germline): Conflicting classifications of pathogenicity. Review status: criteria provided, conflicting classifications (1 of 4 stars). 9 submissions from 9 submitters: Uncertain significance (1); Benign (2); Likely benign (5). 1 of the submissions does not count toward it. Last evaluated 2025-10-25.

Conditions:
CDH1-related disorder. Also called: CDH1-related condition.
Hereditary cancer-predisposing syndrome. Also called: Tumor predisposition; Neoplastic Syndromes, Hereditary; Hereditary Cancer Syndrome; Hereditary neoplastic syndrome. Identifiers: Orphanet 140162, MedGen C0027672, MeSH D009386, MONDO:0015356.
Hereditary diffuse gastric adenocarcinoma (HDGC). Also called: DIFFUSE GASTRIC AND LOBULAR BREAST CANCER SYNDROME. Identifiers: Orphanet 26106, MedGen C1708349, MONDO:0007648, OMIM 137215.

Allele frequency attached by ClinVar (database versions not stated): ExAC 0.00004; TOPMed below 0.00001; gnomAD 0.00001; gnomAD exomes 0.00001 and 0.00003.
gnomAD v4.1: 19 of 1,613,948 alleles (0.0012%); highest among the groups gnomAD compares: Non-Finnish European, 0.0016%; no homozygotes.

Submissions (9):

Labcorp Genetics (formerly Invitae), Labcorp
Classification: Likely benign for Hereditary diffuse gastric adenocarcinoma. Last evaluated: 2025-10-25. Review status: criteria provided, single submitter. Criteria: Invitae Variant Classification Sherloc (09022015). Collection method: clinical testing. Allele origin: germline.

Myriad Genetics, Inc.
Classification: Benign for Hereditary diffuse gastric adenocarcinoma. Last evaluated: 2024-09-20. Review status: criteria provided, single submitter. Criteria: Myriad Autosomal Dominant, Autosomal Recessive and X-Linked Classification Criteria (2023). Collection method: clinical testing. Allele origin: unknown.
Comment: This variant is considered benign. This variant is a silent/synonymous amino acid change and it is not expected to impact splicing.

European Reference Network on Genetic Tumour Risk Syndromes (ERN-GENTURIS), i3s - Instituto de Investigação e Inovação em Saúde, University of Porto
Classification: Uncertain significance for Hereditary diffuse gastric adenocarcinoma. Last evaluated: 2022-08-01. Review status: criteria provided, single submitter. Criteria: Lee et al. (Hum Mutat. 2018). Collection method: clinical testing. Allele origin: germline. Inheritance: Autosomal dominant inheritance. Affected: yes. Study: ERN GENTURIS.
Comment: PS4_Supporting (PMID: 30311375)

Women's Health and Genetics/Laboratory Corporation of America, LabCorp
Classification: Likely benign. Last evaluated: 2020-01-31. Review status: criteria provided, single submitter. Criteria: LabCorp Variant Classification Summary - May 2015. Collection method: clinical testing. Allele origin: germline.

CeGaT Center for Human Genetics Tuebingen
Classification: Likely benign. Last evaluated: 2019-02-01. Review status: criteria provided, single submitter. Criteria: CeGaT Center For Human Genetics Tuebingen Variant Classification Criteria Version 2. Collection method: clinical testing. Allele origin: germline. Affected: yes. Observed: 1 variant allele.

Color Diagnostics, LLC DBA Color Health
Classification: Likely benign for Hereditary cancer-predisposing syndrome. Last evaluated: 2017-06-15. Review status: criteria provided, single submitter. Criteria: ACMG Guidelines, 2015. Collection method: clinical testing. Allele origin: germline.

Ambry Genetics
Classification: Likely benign for Hereditary cancer-predisposing syndrome. Last evaluated: 2014-12-11. Review status: criteria provided, single submitter. Criteria: Ambry Variant Classification Scheme 2023. Collection method: clinical testing. Allele origin: germline.

GeneDx
Classification: Benign. Last evaluated: 2014-08-04. Review status: criteria provided, single submitter. Criteria: GeneDx Variant Classification (06012015). Collection method: clinical testing. Allele origin: germline. Affected: yes.
Comment: This variant is considered likely benign or benign based on one or more of the following criteria: it is a conservative change, it occurs at a poorly conserved position in the protein, it is predicted to be benign by multiple in silico algorithms, and/or has population frequency not consistent with disease.

PreventionGenetics, part of Exact Sciences
Classification: Likely benign for CDH1-related condition. Last evaluated: 2019-07-30. Review status: no assertion criteria provided. Collection method: clinical testing. Allele origin: germline. Not counted in ClinVar's aggregate classification.
Comment: This variant is classified as likely benign based on ACMG/AMP sequence variant interpretation guidelines (Richards et al. 2015 PMID: 25741868, with internal and published modifications).

Literature cited by the submitters: PubMed 36436516 (cited by European Reference Network on Genetic Tumour Risk Syndromes (ERN-GENTURIS), i3s - Instituto de Investigação e Inovação em Saúde, University of Porto); PubMed 26072394 (cited by Women's Health and Genetics/Laboratory Corporation of America, LabCorp).